The following is an entry in ClinVar:

ClinVar aggregate classification (germline): Uncertain significance (1 of 4 stars; one submission).

Conditions:
Inborn genetic diseases. Identifiers: MedGen C0950123, MeSH D030342.

Submission:

Ambry Genetics
Classification: Uncertain significance for Inborn genetic diseases. Last evaluated: 2026-04-13. Review status: criteria provided, single submitter. Criteria: Ambry Variant Classification Scheme 2023. Collection method: clinical testing. Allele origin: germline.
Comment: The c.1371_1388del18 variant (also known as p.I458_T463del) is located in coding exon 5 of the MBD4 gene. This variant results from an in-frame TATATTTCTCAATCGGAC deletion at nucleotide positions 1371 to 1388. This results in the in-frame deletion of 6 residues (IFLNRT) at codons 458-463. This amino acid region is highly conserved in available vertebrate species. In addition, this variant is predicted to be deleterious by in silico analysis (Choi Y et al. PLoS ONE. 2012; 7(10):e46688). Based on the available evidence, the clinical significance of this variant remains unclear.

NM_001276270.2(MBD4):c.1371_1388del (p.Ile458_Thr463del)

Gene: MBD4 (methyl-CpG binding domain 4, DNA glycosylase; minus strand). Cytogenetic location: 3q21.3.
Variant type: Deletion.
Coding change: c.1371_1388del on transcript NM_001276270.2 (MANE Select); coding-DNA positions 1371 to 1388, 18 bases deleted (TATATTTCTCAATCGGAC).
Protein change: p.Ile458_Thr463del.
Molecular consequence: inframe deletion.
Genome position (GRCh38, 1-based): chr3:129,433,855-129,433,872, GTCCGATTGAGAAATATA deleted on the plus strand (TATATTTCTCAATCGGAC on the coding strand, the reverse complement: MBD4 is on the minus strand); deleting any 18 consecutive bases within chr3:129,433,855-129,433,874 gives the same sequence; the c. name uses the placement nearest the transcript's 3' end. VCF-style (leftmost placement, unchanged base first): chr3-129433854-GGTCCGATTGAGAAATATA-G. GRCh37 (hg19) VCF-style: chr3-129152697-GGTCCGATTGAGAAATATA-G.
Other names: c.1371_1388del18 (NM_001276270.2); c.1389_1406del, p.Ile464_Thr469del (NM_001276271.2, NM_001276272.2, NM_003925.3); c.435_452del, p.Ile146_Thr151del (NM_001276273.2).
Identifiers: ClinVar variation 4859576 (VCV004859576.1).